The following is an entry in ClinVar:

NM_022455.5(NSD1):c.5146G>A (p.Gly1716Arg)

Gene: NSD1 (nuclear receptor binding SET domain protein 1; plus strand). Cytogenetic location: 5q35.3.
Variant type: single nucleotide variant.
Coding change: c.5146G>A on transcript NM_022455.5 (MANE Select); coding-DNA position 5146, G replaced by A.
Protein change: p.Gly1716Arg; replaces glycine 1716 with arginine.
Molecular consequence: missense variant.
Genome position (GRCh38, 1-based): chr5:177,260,168, G>A. VCF-style: chr5-177260168-G-A. GRCh37 (hg19) VCF-style: chr5-176687169-G-A.
Other names: c.4273G>A, p.Gly1425Arg (NM_001365684.2, NM_001409308.1, NM_001409309.1 and 1 more transcripts); c.5146G>A, p.Gly1716Arg (NM_001409301.1, NM_001409302.1, NM_001409303.1); c.4726G>A, p.Gly1576Arg (NM_001409304.1); c.4393G>A, p.Gly1465Arg (NM_001409305.1); c.4384G>A, p.Gly1462Arg (NM_001409306.1, NM_001409307.1); short protein forms G1425R, G1462R, G1465R, G1576R, G1716R.
Identifiers: ClinVar variation 4804962 (VCV004804962.1).

ClinVar aggregate classification (germline): Pathogenic (1 of 4 stars; one submission).

Submission:

Labcorp Genetics (formerly Invitae), Labcorp
Classification: Pathogenic. Last evaluated: 2025-12-11. Review status: criteria provided, single submitter. Criteria: Invitae Variant Classification Sherloc (09022015). Collection method: clinical testing. Allele origin: germline.
Comment: This sequence change replaces glycine, which is neutral and non-polar, with arginine, which is basic and polar, at codon 1716 of the NSD1 protein (p.Gly1716Arg). This variant also falls at the last nucleotide of exon 14, which is part of the consensus splice site for this exon. This variant is not present in population databases (gnomAD no frequency). This missense change has been observed in individual(s) with Sotos syndrome (PMID: 36833222, 36970544; internal data). In at least one individual the variant was observed to be de novo. An algorithm developed to predict the effect of missense changes on protein structure and function (PolyPhen-2) suggests that this variant is likely to be disruptive. Variants that disrupt the consensus splice site are a relatively common cause of aberrant splicing (PMID: 17576681, 9536098). Algorithms developed to predict the effect of sequence changes on RNA splicing suggest that this variant may disrupt the consensus splice site. For these reasons, this variant has been classified as Pathogenic.

Literature cited by the submitters: PubMed 36833222; PubMed 36970544; PubMed 17576681; PubMed 9536098.